The following is an entry in ClinVar:

NM_004525.3(LRP2):c.6986T>A (p.Phe2329Tyr)

Gene: LRP2 (LDL receptor related protein 2; minus strand). Cytogenetic location: 2q31.1.
Variant type: single nucleotide variant.
Coding change: c.6986T>A on transcript NM_004525.3 (MANE Select); coding-DNA position 6986, T replaced by A.
Protein change: p.Phe2329Tyr; replaces phenylalanine 2329 with tyrosine.
Molecular consequence: missense variant.
Genome position (GRCh38, 1-based): chr2:169,206,734, A>T on the plus strand (T>A on the coding strand, the complement: LRP2 is on the minus strand). VCF-style: chr2-169206734-A-T. GRCh37 (hg19) VCF-style: chr2-170063244-A-T.
Other names: short protein forms F2329Y.
Identifiers: ClinVar variation 4885330 (VCV004885330.2).
Genomic context (GRCh38, chr2:169,206,734, plus strand): 5'-TTTTCCAAGCAAGGGTTGTTGTTGACCTCTGCTGGTGACCGGGGCTGGACTTGCTTGTCA[A>T]AGATGGTCACATCTCTTAGCCAGTTGATATTGTCTCTTATCACTGTGGGTGGCTCTGTGT-3'
Protein context (NP_004516.2, residues 2319-2339): NINWLRDVTI[Phe2329Tyr]DKQVQPRSPA

ClinVar aggregate classification (germline): Uncertain significance (1 of 4 stars; one submission).

Submission:

Dasa
Classification: Uncertain significance. Last evaluated: 2024-10-15. Review status: criteria provided, single submitter. Criteria: DASA Assertion Criteria. Collection method: clinical testing. Allele origin: germline.
Comment: NM_004525.3(LRP2):c.6986T>A (p.Phe2329Tyr) is a missense variant that results in the substitution of phenylalanine with tyrosine. This variant is absent from population databases. Computational prediction algorithms are consistent with a benign effect. The currently available literature and clinical evidence are not sufficient to establish a definitive association between this variant and the reported condition. Therefore, this variant is classified as a variant of uncertain significance.